The following is an entry in ClinVar:

ClinVar aggregate classification (germline): Uncertain significance. Review status: criteria provided, multiple submitters, no conflicts (2 of 4 stars). 10 submissions from 9 submitters: Uncertain significance (8). 2 of the submissions do not count toward it. Last evaluated 2025-07-27.

Conditions:
Usher syndrome type 2A. Also called: RETINAL DISEASE IN USHER SYNDROME TYPE IIA, MODIFIER OF; USHER SYNDROME, TYPE IIA. Identifiers: Orphanet 231178, Orphanet 886, MedGen C1848634, MONDO:0010169, OMIM 276901.
Retinitis pigmentosa 39 (RP39). Identifiers: Orphanet 791, MedGen C3151138, MONDO:0013436, OMIM 613809.

Allele frequency attached by ClinVar (database versions not stated): gnomAD exomes 0.00003 and 0.00011; ExAC 0.00005; gnomAD 0.00007; TOPMed 0.00007.
gnomAD v4.1: 169 of 1,613,924 alleles (0.01%); highest among the groups gnomAD compares: Non-Finnish European, 0.014%; 1 homozygote.

Submissions (10):

GeneDx
Classification: Uncertain significance. Last evaluated: 2025-07-27. Review status: criteria provided, single submitter. Criteria: GeneDx Variant Classification Process June 2021. Collection method: clinical testing. Allele origin: germline. Affected: yes.
Comment: Identified along with a second variant in a patient with a likely diagnosis of Usher syndrome 2A in published literature (PMID: 26969326); Not observed at significant frequency in large population cohorts (gnomAD); In silico analysis supports that this missense variant has a deleterious effect on protein structure/function; This variant is associated with the following publications: (PMID: 26969326)

Revvity Omics, Revvity
Classification: Uncertain significance. Last evaluated: 2025-06-04. Review status: criteria provided, single submitter. Criteria: ACMG Guidelines, 2015. Collection method: clinical testing. Allele origin: germline.

Blueprint Genetics
Classification: Uncertain significance. Last evaluated: 2024-06-26. Review status: criteria provided, single submitter. Criteria: ACMG Guidelines, 2015. Collection method: clinical testing. Allele origin: germline.

Genome-Nilou Lab
Classification: Uncertain significance for Retinitis pigmentosa 39. Last evaluated: 2023-11-04. Review status: criteria provided, single submitter. Criteria: ACMG Guidelines, 2015. Collection method: clinical testing. Allele origin: germline. Affected: no.

Genome-Nilou Lab
Classification: Uncertain significance for Usher syndrome type 2A. Last evaluated: 2023-11-04. Review status: criteria provided, single submitter. Criteria: ACMG Guidelines, 2015. Collection method: clinical testing. Allele origin: germline. Affected: no.

Women's Health and Genetics/Laboratory Corporation of America, LabCorp
Classification: Uncertain significance. Last evaluated: 2023-03-27. Review status: criteria provided, single submitter. Criteria: LabCorp Variant Classification Summary - May 2015. Collection method: clinical testing. Allele origin: germline.
Comment: Variant summary: USH2A c.9922G>A (p.Gly3308Ser) results in a non-conservative amino acid change located in the fibronectin type III domain (IPR003961) of the encoded protein sequence. Three of five in-silico tools predict a damaging effect of the variant on protein function. The variant allele was found at a frequency of 2.8e-05 in 251302 control chromosomes in the gnomAD database, including 1 homozygote. The available data on variant occurrences in the general population are insufficient to allow any strong conclusion about variant significance. c.9922G>A has been reported in the literature in the compound heterozygous state in an individual affected with Usher Syndrome (Sloan-Heggen_2016). This report does not provide unequivocal conclusions about association of the variant with Usher Syndrome. To our knowledge, no experimental evidence demonstrating an impact on protein function has been reported. Four clinical diagnostic laboratories have submitted clinical-significance assessments for this variant to ClinVar after 2014 and all classified the variant as uncertain significance. Based on the evidence outlined above, the variant was classified as uncertain significance.

Labcorp Genetics (formerly Invitae), Labcorp
Classification: Uncertain significance. Last evaluated: 2022-08-31. Review status: criteria provided, single submitter. Criteria: Invitae Variant Classification Sherloc (09022015). Collection method: clinical testing. Allele origin: germline.
Comment: This sequence change replaces glycine, which is neutral and non-polar, with serine, which is neutral and polar, at codon 3308 of the USH2A protein (p.Gly3308Ser). This variant is present in population databases (rs752811693, gnomAD 0.007%), including at least one homozygous and/or hemizygous individual. This missense change has been observed in individual(s) with Usher syndrome (PMID: 26969326). ClinVar contains an entry for this variant (Variation ID: 552620). Algorithms developed to predict the effect of missense changes on protein structure and function are either unavailable or do not agree on the potential impact of this missense change (SIFT: "Deleterious"; PolyPhen-2: "Possibly Damaging"; Align-GVGD: "Class C0"). In summary, the available evidence is currently insufficient to determine the role of this variant in disease. Therefore, it has been classified as a Variant of Uncertain Significance.

Fulgent Genetics
Classification: Uncertain significance for Usher syndrome type 2A; Retinitis pigmentosa 39. Last evaluated: 2022-04-12. Review status: criteria provided, single submitter. Criteria: ACMG Guidelines, 2015. Collection method: clinical testing. Allele origin: unknown.

Natera, Inc.
Classification: Uncertain significance for Usher syndrome type 2A. Last evaluated: 2020-08-13. Review status: no assertion criteria provided. Collection method: clinical testing. Allele origin: germline. Not counted in ClinVar's aggregate classification.

Counsyl
Classification: Uncertain significance for Usher syndrome type 2A; Retinitis pigmentosa 39. Last evaluated: 2017-06-26. Review status: no assertion criteria provided. Collection method: clinical testing. Allele origin: unknown. Not counted in ClinVar's aggregate classification.

Literature cited by the submitters: PubMed 26969326 (cited by 3 submitters).

NM_206933.4(USH2A):c.9922G>A (p.Gly3308Ser)

Gene: USH2A (usherin; minus strand). Cytogenetic location: 1q41.
Variant type: single nucleotide variant.
Coding change: c.9922G>A on transcript NM_206933.4 (MANE Select); coding-DNA position 9922, G replaced by A.
Protein change: p.Gly3308Ser; replaces glycine 3308 with serine.
Molecular consequence: missense variant.
Genome position (GRCh38, 1-based): chr1:215,798,943, C>T on the plus strand (G>A on the coding strand, the complement: USH2A is on the minus strand). VCF-style: chr1-215798943-C-T. GRCh37 (hg19) VCF-style: chr1-215972285-C-T.
Other names: c.9922G>A (NM_206933.3); short protein forms G3308S.
Identifiers: ClinVar variation 552620 (VCV000552620.12), dbSNP rs752811693, ClinGen allele CA1394180.
Genomic context (GRCh38, chr1:215,798,943, plus strand): 5'-GAAAGGTAGACCTGGGCCCCTTACCTGGAAGGCGATTGTACACCACTCCTTCTTCTCCAC[C>T]ACAACACTCTAAATCGTTGCTCACAATCTGTCTGCCACAGCACTTCTGGCCATGGCCATC-3'
Protein context (NP_996816.3, residues 3298-3318): QIVSNDLECC[Gly3308Ser]GEEGVVYNRL